The following is an entry in ClinVar:

ClinVar aggregate classification (germline): Uncertain significance (1 of 4 stars; one submission).

Allele frequency attached by ClinVar (database versions not stated): gnomAD exomes below 0.00001; ExAC 0.00001.
gnomAD v4.1: 1 of 1,613,788 alleles (0.000062%); highest among the groups gnomAD compares: Non-Finnish European, 0.000085%; no homozygotes.

Submission:

Labcorp Genetics (formerly Invitae), Labcorp
Classification: Uncertain significance. Last evaluated: 2025-04-28. Review status: criteria provided, single submitter. Criteria: Invitae Variant Classification Sherloc (09022015). Collection method: clinical testing. Allele origin: germline.
Comment: This sequence change replaces cysteine, which is neutral and slightly polar, with tyrosine, which is neutral and polar, at codon 104 of the RP1L1 protein (p.Cys104Tyr). This variant is present in population databases (rs752516079, gnomAD 0.0009%). This variant has not been reported in the literature in individuals affected with RP1L1-related conditions. ClinVar contains an entry for this variant (Variation ID: 1938416). Invitae Evidence Modeling of protein sequence and biophysical properties (such as structural, functional, and spatial information, amino acid conservation, physicochemical variation, residue mobility, and thermodynamic stability) has been performed for this missense variant. However, the output from this modeling did not meet the statistical confidence thresholds required to predict the impact of this variant on RP1L1 protein function. In summary, the available evidence is currently insufficient to determine the role of this variant in disease. Therefore, it has been classified as a Variant of Uncertain Significance.

NM_178857.6(RP1L1):c.311G>A (p.Cys104Tyr)

Gene: RP1L1 (RP1 like 1). Cytogenetic location: 8p23.1.
Variant type: single nucleotide variant.
Coding change: c.311G>A on transcript NM_178857.6 (MANE Select); coding-DNA position 311, G replaced by A.
Protein change: p.Cys104Tyr; replaces cysteine 104 with tyrosine.
Molecular consequence: missense variant.
Genome position (GRCh38, 1-based): chr8:10,622,891, C>T on the plus strand (G>A on the coding strand, the complement: RP1L1 is on the minus strand). VCF-style: chr8-10622891-C-T. GRCh37 (hg19) VCF-style: chr8-10480401-C-T.
Other names: short protein forms C104Y.
Identifiers: ClinVar variation 1938416 (VCV001938416.5), dbSNP rs752516079, ClinGen allele CA4625766.